The following is an entry in ClinVar:

NM_006206.6(PDGFRA):c.2855A>C (p.Asn952Thr)

Gene: PDGFRA (platelet derived growth factor receptor alpha; plus strand). Cytogenetic location: 4q12.
Variant type: single nucleotide variant.
Coding change: c.2855A>C on transcript NM_006206.6 (MANE Select); coding-DNA position 2855, A replaced by C.
Protein change: p.Asn952Thr; replaces asparagine 952 with threonine.
Molecular consequence: missense variant.
Genome position (GRCh38, 1-based): chr4:54,289,089, A>C. VCF-style: chr4-54289089-A-C. GRCh37 (hg19) VCF-style: chr4-55155256-A-C.
Other names: c.2930A>C, p.Asn977Thr (NM_001347828.2); c.2855A>C, p.Asn952Thr (NM_001347829.2); c.2894A>C, p.Asn965Thr (NM_001347830.2); short protein forms N952T, N965T, N977T.
Identifiers: ClinVar variation 1369273 (VCV001369273.8), dbSNP rs2110345940, ClinGen allele CA356895834.

ClinVar aggregate classification (germline): Uncertain significance (1 of 4 stars; one submission).

Conditions:
Gastrointestinal stromal tumor. Also called: Gastrointestinal stroma tumor; Gastrointestinal stromal tumor, somatic. Identifiers: Orphanet 44890, MedGen C0238198, MeSH D046152, MONDO:0011719, OMIM 606764, HP:0100723.

Submission:

Labcorp Genetics (formerly Invitae), Labcorp
Classification: Uncertain significance for Gastrointestinal stromal tumor. Last evaluated: 2024-05-08. Review status: criteria provided, single submitter. Criteria: Invitae Variant Classification Sherloc (09022015). Collection method: clinical testing. Allele origin: germline.
Comment: This sequence change replaces asparagine, which is neutral and polar, with threonine, which is neutral and polar, at codon 952 of the PDGFRA protein (p.Asn952Thr). This variant is not present in population databases (gnomAD no frequency). This variant has not been reported in the literature in individuals affected with PDGFRA-related conditions. ClinVar contains an entry for this variant (Variation ID: 1369273). Advanced modeling of protein sequence and biophysical properties (such as structural, functional, and spatial information, amino acid conservation, physicochemical variation, residue mobility, and thermodynamic stability) performed at Invitae indicates that this missense variant is not expected to disrupt PDGFRA protein function with a negative predictive value of 80%. In summary, the available evidence is currently insufficient to determine the role of this variant in disease. Therefore, it has been classified as a Variant of Uncertain Significance.